The following is an entry in ClinVar:

ClinVar aggregate classification (germline): Benign (1 of 4 stars; one submission).

Conditions:
Sessile serrated polyposis cancer syndrome (SSPCS). Identifiers: Orphanet 157798, MedGen C4310714, MONDO:0014919, OMIM 617108.

Submission:

Myriad Genetics, Inc.
Classification: Benign for Sessile serrated polyposis cancer syndrome. Last evaluated: 2026-07-02. Review status: criteria provided, single submitter. Criteria: Myriad Autosomal Dominant, Autosomal Recessive and X-Linked Classification Criteria (2023). Collection method: clinical testing. Allele origin: unknown.
Comment: This variant is considered benign. This variant is a silent/synonymous amino acid change and it is not expected to impact splicing.

NM_017763.6(RNF43):c.1737G>A (p.Arg579=)

Gene: RNF43 (ring finger protein 43; minus strand). Cytogenetic location: 17q22.
Variant type: single nucleotide variant.
Coding change: c.1737G>A on transcript NM_017763.6 (MANE Select); coding-DNA position 1737, G replaced by A.
Protein change: p.Arg579=; no amino-acid change (arginine 579 retained).
Molecular consequence: synonymous variant.
Genome position (GRCh38, 1-based): chr17:58,358,039, C>T on the plus strand (G>A on the coding strand, the complement: RNF43 is on the minus strand). VCF-style: chr17-58358039-C-T. GRCh37 (hg19) VCF-style: chr17-56435400-C-T.
Other names: c.1737G>A, p.Arg579= (NM_001305544.3, NM_001438820.1, NM_001438821.1 and 1 more transcripts); c.1356G>A, p.Arg452= (NM_001305545.2, NM_001437987.1).
Identifiers: ClinVar variation 5042426 (VCV005042426.1).